The following is an entry in ClinVar:

ClinVar aggregate classification (germline): Pathogenic. Review status: criteria provided, multiple submitters, no conflicts (2 of 4 stars). 2 submissions from 2 submitters: Pathogenic (2). Last evaluated 2025-12-19.

Conditions:
Cholestanol storage disease (CTX). Also called: CTX: Cerebrotendinous xanthomatosis; CEREBRAL CHOLESTERINOSIS; Cerebrotendinous Xanthomatosis. Identifiers: Orphanet 909, MedGen C0238052, MONDO:0008948, OMIM 213700.

Submissions (2):

Labcorp Genetics (formerly Invitae), Labcorp
Classification: Pathogenic for Cholestanol storage disease. Last evaluated: 2025-12-19. Review status: criteria provided, single submitter. Criteria: Invitae Variant Classification Sherloc (09022015). Collection method: clinical testing. Allele origin: germline.
Comment: This sequence change creates a premature translational stop signal (p.Glu223*) in the CYP27A1 gene. It is expected to result in an absent or disrupted protein product. Loss-of-function variants in CYP27A1 are known to be pathogenic (PMID: 9392430, 10775536, 26937392). This variant is not present in population databases (gnomAD no frequency). This variant has not been reported in the literature in individuals affected with CYP27A1-related conditions. ClinVar contains an entry for this variant (Variation ID: 1960611). Algorithms developed to predict the effect of sequence changes on RNA splicing suggest that this variant may disrupt the consensus splice site. For these reasons, this variant has been classified as Pathogenic.

Myriad Genetics, Inc.
Classification: Pathogenic for Cholestanol storage disease. Last evaluated: 2024-05-08. Review status: criteria provided, single submitter. Criteria: Myriad Autosomal Dominant, Autosomal Recessive and X-Linked Classification Criteria (2023). Collection method: clinical testing. Allele origin: unknown.
Comment: NM_000784.3(CYP27A1):c.667G>T(E223*) is expected to be pathogenic in the context of cerebrotendinous xanthomatosis. This variant is predicted to lead to an abnormal or absent protein product due to the creation of a premature termination codon in CYP27A1, a gene where loss-of-function variants are known to be pathogenic. Please note: this variant was assessed in the context of healthy population screening.

Literature cited by the submitters: PubMed 9392430 (cited by Labcorp Genetics (formerly Invitae), Labcorp); PubMed 10775536 (cited by Labcorp Genetics (formerly Invitae), Labcorp); PubMed 26937392 (cited by Labcorp Genetics (formerly Invitae), Labcorp).

NM_000784.4(CYP27A1):c.667G>T (p.Glu223Ter)

Gene: CYP27A1 (cytochrome P450 family 27 subfamily A member 1; plus strand). Cytogenetic location: 2q35.
Variant type: single nucleotide variant.
Coding change: c.667G>T on transcript NM_000784.4 (MANE Select); coding-DNA position 667, G replaced by T.
Protein change: p.Glu223Ter; replaces glutamic acid 223 with a stop codon.
Molecular consequence: nonsense.
Genome position (GRCh38, 1-based): chr2:218,812,572, G>T. VCF-style: chr2-218812572-G-T. GRCh37 (hg19) VCF-style: chr2-219677295-G-T.
Other names: short protein forms E223*.
Identifiers: ClinVar variation 1960611 (VCV001960611.6), dbSNP rs760323157, ClinGen allele CA350586007.